The following is an entry in ClinVar:

ClinVar aggregate classification (germline): Uncertain significance (1 of 4 stars; one submission).

Conditions:
Catecholaminergic polymorphic ventricular tachycardia 1. Also called: VENTRICULAR TACHYCARDIA, CATECHOLAMINERGIC POLYMORPHIC, 1, WITH OR WITHOUT ATRIAL DYSFUNCTION AND/OR DILATED CARDIOMYOPATHY; RYR2-Related Catecholaminergic Polymorphic Ventricular Tachycardia; VENTRICULAR TACHYCARDIA, STRESS-INDUCED POLYMORPHIC 1. Identifiers: Orphanet 3286, MedGen C1631597, MONDO:0011484, OMIM 604772.

Submission:

Labcorp Genetics (formerly Invitae), Labcorp
Classification: Uncertain significance for Catecholaminergic polymorphic ventricular tachycardia 1. Last evaluated: 2021-01-14. Review status: criteria provided, single submitter. Criteria: Invitae Variant Classification Sherloc (09022015). Collection method: clinical testing. Allele origin: germline.
Comment: In summary, the available evidence is currently insufficient to determine the role of this variant in disease. Therefore, it has been classified as a Variant of Uncertain Significance. Advanced modeling of protein sequence and biophysical properties (such as structural, functional, and spatial information, amino acid conservation, physicochemical variation, residue mobility, and thermodynamic stability) performed at Invitae indicates that this missense variant is not expected to disrupt RYR2 protein function. This variant has not been reported in the literature in individuals with RYR2-related conditions. This variant is not present in population databases (ExAC no frequency). This sequence change replaces lysine with asparagine at codon 4183 of the RYR2 protein (p.Lys4183Asn). The lysine residue is highly conserved and there is a moderate physicochemical difference between lysine and asparagine.

NM_001035.3(RYR2):c.12549A>C (p.Lys4183Asn)

Genes: RYR2 (ryanodine receptor 2; plus strand), LOC126806068 (BRD4-independent group 4 enhancer GRCh37_chr1:237947411-237948610; plus strand). Cytogenetic location: 1q43.
Variant type: single nucleotide variant.
Coding change: c.12549A>C on transcript NM_001035.3 (MANE Select); coding-DNA position 12549, A replaced by C.
Protein change: p.Lys4183Asn; replaces lysine 4183 with asparagine.
Molecular consequence: missense variant.
Genome position (GRCh38, 1-based): chr1:237,784,261, A>C. VCF-style: chr1-237784261-A-C. GRCh37 (hg19) VCF-style: chr1-237947561-A-C.
Other names: short protein forms K4183N.
Identifiers: ClinVar variation 1502387 (VCV001502387.9), dbSNP rs760519665, ClinGen allele CA345413598.